The following is an entry in ClinVar:

NM_005993.5(TBCD):c.2549G>A (p.Cys850Tyr)

Gene: TBCD (tubulin folding cofactor D). Cytogenetic location: 17q25.3.
Variant type: single nucleotide variant.
Coding change: c.2549G>A on transcript NM_005993.5 (MANE Select); coding-DNA position 2549, G replaced by A.
Protein change: p.Cys850Tyr; replaces cysteine 850 with tyrosine.
Molecular consequence: missense variant.
Genome position (GRCh38, 1-based): chr17:82,927,263, G>A. VCF-style: chr17-82927263-G-A. GRCh37 (hg19) VCF-style: chr17-80885139-G-A.
Other names: c.2498G>A, p.Cys833Tyr (NM_001411101.1); c.2468G>A, p.Cys823Tyr (NM_001411102.1); c.2549G>A (NM_005993.4); short protein forms C833Y, C823Y, C850Y.
Identifiers: ClinVar variation 2084711 (VCV002084711.2), dbSNP rs189096321, ClinGen allele CA8863106.
Genomic context (GRCh38, chr17:82,927,263, plus strand): 5'-GTGTGAAAGCAGGAGCCCCAGACGAAGCTGTGTGCGGAGAGAATGTTTCCCAGATTTACT[G>A]TGCGCTGCTGGGCTGCATGGACGACTACACCACGGACAGCAGAGGGGACGTGGGCACCTG-3'
Protein context (NP_005984.3, residues 840-860): VCGENVSQIY[Cys850Tyr]ALLGCMDDYT

ClinVar aggregate classification (germline): Uncertain significance. Review status: criteria provided, multiple submitters, no conflicts (2 of 4 stars). 2 submissions from 2 submitters: Uncertain significance (2). Last evaluated 2022-12-28.

Conditions:
Inborn genetic diseases. Identifiers: MedGen C0950123, MeSH D030342.

Allele frequency attached by ClinVar (database versions not stated): TOPMed 0.00003; ExAC 0.00006; gnomAD 0.00007; 1000 Genomes Project 30x 0.00016; ESP Exome Variant Server 0.00016; 1000 Genomes Project 0.00020.
gnomAD v4.1: 77 of 1,614,016 alleles (0.0048%); highest among the groups gnomAD compares: Admixed American, 0.0067%; no homozygotes.

Submissions (2):

Ambry Genetics
Classification: Uncertain significance for Inborn genetic diseases. Last evaluated: 2022-12-28. Review status: criteria provided, single submitter. Criteria: Ambry Variant Classification Scheme 2023. Collection method: clinical testing. Allele origin: germline.

Labcorp Genetics (formerly Invitae), Labcorp
Classification: Uncertain significance. Last evaluated: 2022-07-05. Review status: criteria provided, single submitter. Criteria: Invitae Variant Classification Sherloc (09022015). Collection method: clinical testing. Allele origin: germline.
Comment: This sequence change replaces cysteine, which is neutral and slightly polar, with tyrosine, which is neutral and polar, at codon 850 of the TBCD protein (p.Cys850Tyr). This variant is present in population databases (rs189096321, gnomAD 0.009%). This variant has not been reported in the literature in individuals affected with TBCD-related conditions. Algorithms developed to predict the effect of missense changes on protein structure and function (SIFT, PolyPhen-2, Align-GVGD) all suggest that this variant is likely to be tolerated. In summary, the available evidence is currently insufficient to determine the role of this variant in disease. Therefore, it has been classified as a Variant of Uncertain Significance.